The following is an entry in ClinVar:

ClinVar aggregate classification (germline): Pathogenic (1 of 4 stars; one submission).

Conditions:
Vici syndrome (VICIS). Identifiers: Orphanet 1493, MedGen C1855772, MONDO:0009452, OMIM 242840.

Submission:

Labcorp Genetics (formerly Invitae), Labcorp
Classification: Pathogenic for Vici syndrome. Last evaluated: 2023-08-06. Review status: criteria provided, single submitter. Criteria: Invitae Variant Classification Sherloc (09022015). Collection method: clinical testing. Allele origin: unknown.
Comment: This variant is a gross deletion of the genomic region encompassing exon(s) 15-16 of the EPG5 gene. This deletion is out-of-frame, and is expected to create a premature termination codon and result in an absent or disrupted protein product. Loss-of-function variants in EPG5 are known to be pathogenic (PMID: 23222957, 23674064). This variant has not been reported in the literature in individuals affected with EPG5-related conditions. For these reasons, this variant has been classified as Pathogenic.

Literature cited by the submitters: PubMed 23222957; PubMed 23674064.

NC_000018.9:g.(?_43502287)_(43503373_?)del

Gene: EPG5 (ectopic P-granules 5 autophagy tethering factor; minus strand). Cytogenetic location: 18q21.1.
Variant type: Deletion.
Identifiers: ClinVar variation 3242743 (VCV003242743.1).